The following is an entry in ClinVar:

ClinVar aggregate classification (germline): Uncertain significance (1 of 4 stars; one submission).

Allele frequency attached by ClinVar (database versions not stated): gnomAD exomes 0.00002; gnomAD 0.00003; TOPMed 0.00005.
gnomAD v4.1: 40 of 1,564,762 alleles (0.0026%); highest among the groups gnomAD compares: African/African-American, 0.0027%; no homozygotes.

Submission:

Labcorp Genetics (formerly Invitae), Labcorp
Classification: Uncertain significance. Last evaluated: 2024-04-22. Review status: criteria provided, single submitter. Criteria: Invitae Variant Classification Sherloc (09022015). Collection method: clinical testing. Allele origin: germline.
Comment: This sequence change replaces glycine, which is neutral and non-polar, with serine, which is neutral and polar, at codon 93 of the ESPN protein (p.Gly93Ser). This variant is present in population databases (no rsID available, gnomAD 0.01%). This variant has not been reported in the literature in individuals affected with ESPN-related conditions. ClinVar contains an entry for this variant (Variation ID: 1947259). An algorithm developed to predict the effect of missense changes on protein structure and function (PolyPhen-2) suggests that this variant is likely to be disruptive. In summary, the available evidence is currently insufficient to determine the role of this variant in disease. Therefore, it has been classified as a Variant of Uncertain Significance.

NM_031475.3(ESPN):c.277G>A (p.Gly93Ser)

Gene: ESPN (espin; plus strand). Cytogenetic location: 1p36.31.
Variant type: single nucleotide variant.
Coding change: c.277G>A on transcript NM_031475.3 (MANE Select); coding-DNA position 277, G replaced by A.
Protein change: p.Gly93Ser; replaces glycine 93 with serine.
Molecular consequence: missense variant.
Genome position (GRCh38, 1-based): chr1:6,425,232, G>A. VCF-style: chr1-6425232-G-A. GRCh37 (hg19) VCF-style: chr1-6485292-G-A.
Other names: c.277G>A, p.Gly93Ser (NM_001367473.1, NM_001367474.1); short protein forms G93S.
Identifiers: ClinVar variation 1947259 (VCV001947259.5), dbSNP rs955821074, ClinGen allele CA17192811.
Genomic context (GRCh38, chr1:6,425,232, plus strand): 5'-CCGGCCCACGACGCCTCCGCCACCGGCCACCTCGCCTGCCTGCAGTGGCTGCTGTCGCAG[G>A]GCGGCTGCAGAGTGCAGGTGGGTCCGCGCGGTTCGCCAGGGGCACTGAGGCTTCCTCCTC-3'
Protein context (NP_113663.2, residues 83-103): LACLQWLLSQ[Gly93Ser]GCRVQDKDNS